The following is an entry in ClinVar:

ClinVar aggregate classification (germline): Uncertain significance (1 of 4 stars; one submission).

gnomAD v4.1: 2 of 1,612,314 alleles (0.00012%); highest among the groups gnomAD compares: South Asian, 0.0022%; no homozygotes.

Submission:

GeneDx
Classification: Uncertain significance. Last evaluated: 2024-02-10. Review status: criteria provided, single submitter. Criteria: GeneDx Variant Classification Process June 2021. Collection method: clinical testing. Allele origin: germline. Affected: yes.
Comment: In silico analysis supports that this missense variant has a deleterious effect on protein structure/function; Missense variant in a gene in which most reported pathogenic variants are truncating/loss of function; Has not been previously published as pathogenic or benign to our knowledge

NM_013275.6(ANKRD11):c.7531G>T (p.Val2511Phe)

Gene: ANKRD11 (ankyrin repeat domain containing 11; minus strand). Cytogenetic location: 16q24.3.
Variant type: single nucleotide variant.
Coding change: c.7531G>T on transcript NM_013275.6 (MANE Select); coding-DNA position 7531, G replaced by T.
Protein change: p.Val2511Phe; replaces valine 2511 with phenylalanine.
Molecular consequence: missense variant.
Genome position (GRCh38, 1-based): chr16:89,275,131, C>A on the plus strand (G>T on the coding strand, the complement: ANKRD11 is on the minus strand). VCF-style: chr16-89275131-C-A. GRCh37 (hg19) VCF-style: chr16-89341539-C-A.
Other names: c.7531G>T, p.Val2511Phe (NM_001256182.2, NM_001256183.2); short protein forms V2511F.
Identifiers: ClinVar variation 3369109 (VCV003369109.1).
Genomic context (GRCh38, chr16:89,275,131, plus strand): 5'-CTGCCTGTGCCAGCCCACTTACCCGCTCGATGCTGTGCTGTAGACGCAGCTTTCCCCGGA[C>A]GGCCTCCTGCTGCCTGAACAGCTCCTTCAGGGGCTCCGCCAGGGAGGGAGGGGGTGCGAT-3'
Protein context (NP_037407.4, residues 2501-2521): LKELFRQQEA[Val2511Phe]RGKLRLQHSI